The following is an entry in ClinVar:

NM_015978.3(TNNI3K):c.776T>C (p.Leu259Ser)

Genes: FPGT-TNNI3K (FPGT-TNNI3K readthrough; plus strand), TNNI3K (TNNI3 interacting kinase; plus strand). Cytogenetic location: 1p31.1.
Variant type: single nucleotide variant.
Coding change: c.776T>C on transcript NM_015978.3 (MANE Select); coding-DNA position 776, T replaced by C.
Protein change: p.Leu259Ser; replaces leucine 259 with serine.
Molecular consequence: missense variant.
Genome position (GRCh38, 1-based): chr1:74,342,935, T>C. VCF-style: chr1-74342935-T-C. GRCh37 (hg19) VCF-style: chr1-74808619-T-C.
Other names: c.1079T>C, p.Leu360Ser (NM_001112808.3, NM_001199327.2); short protein forms L259S, L360S.
Identifiers: ClinVar variation 2809233 (VCV002809233.3), dbSNP rs1051846477, ClinGen allele CA24524639.

ClinVar aggregate classification (germline): Uncertain significance (1 of 4 stars; one submission).

Allele frequency attached by ClinVar (database versions not stated): gnomAD exomes below 0.00001; TOPMed below 0.00001; gnomAD 0.00001.
gnomAD v4.1: 2 of 1,613,840 alleles (0.00012%); highest among the groups gnomAD compares: Non-Finnish European, 0.000085%; no homozygotes.

Submission:

Labcorp Genetics (formerly Invitae), Labcorp
Classification: Uncertain significance. Last evaluated: 2023-10-15. Review status: criteria provided, single submitter. Criteria: Invitae Variant Classification Sherloc (09022015). Collection method: clinical testing. Allele origin: germline.
Comment: This sequence change replaces leucine, which is neutral and non-polar, with serine, which is neutral and polar, at codon 259 of the TNNI3K protein (p.Leu259Ser). This variant is not present in population databases (gnomAD no frequency). This variant has not been reported in the literature in individuals affected with TNNI3K-related conditions. Advanced modeling of protein sequence and biophysical properties (such as structural, functional, and spatial information, amino acid conservation, physicochemical variation, residue mobility, and thermodynamic stability) performed at Invitae indicates that this missense variant is not expected to disrupt TNNI3K protein function. In summary, the available evidence is currently insufficient to determine the role of this variant in disease. Therefore, it has been classified as a Variant of Uncertain Significance.